The following is an entry in ClinVar:

ClinVar aggregate classification (germline): Likely pathogenic. Review status: criteria provided, multiple submitters, no conflicts (2 of 4 stars). 3 submissions from 3 submitters: Likely pathogenic (2). 1 of the submissions does not count toward it. Last evaluated 2024-03-03.

Conditions:
Cornelia de Lange syndrome 6 (CDLS6). Identifiers: MedGen C5882712, MONDO:0957921, OMIM 620568.

Submissions (3):

SIB Swiss Institute of Bioinformatics
Classification: Likely pathogenic for Cornelia de Lange syndrome 6. Last evaluated: 2024-03-03. Review status: criteria provided, single submitter. Criteria: ACMG Guidelines, 2015. Collection method: curation. Allele origin: de novo. Affected: yes.
Comment: This variant is interpreted for Cornelia de Lange syndrome 6, autosomal dominant. The following ACMG Tag(s) were applied: Absent from controls (or at extremely low frequency if recessive) in gnomAD (PM2). De novo data (PS2). Prevalence in affected individuals statistically increased over controls (PS4-supporting). Well-established functional studies show a deleterious effect (PS3-moderate).

Equipe Genetique des Anomalies du Developpement, Université de Bourgogne
Classification: Likely pathogenic. Last evaluated: 2021-01-05. Review status: criteria provided, single submitter. Criteria: ACMG Guidelines, 2015. Collection method: research. Allele origin: de novo. Affected: yes.

OMIM
Classification: Pathogenic for CORNELIA DE LANGE SYNDROME 6. Last evaluated: 2024-06-27. Review status: no assertion criteria provided. Collection method: literature only. Allele origin: germline. Not counted in ClinVar's aggregate classification.

Literature cited by the submitters: PubMed 29379197 (cited by SIB Swiss Institute of Bioinformatics); PubMed 35470444 (cited by SIB Swiss Institute of Bioinformatics and OMIM); Olley, G., Ansari, M., Bengani, H., Grimes, G. R., Rhodes, J., von Kriegsheim, A., Blatnik, A., Stewart, F. J., Wakeling, E., Carroll, N., Ross, A., Park, S. M., Deciphering Developmental Disorders Study, Bickmore, W. A., Pradeepa, M. M., FitzPatrick, D. R. BRD4 interacts with NIPBL and BRD4 is mutated in a Cornelia de Lange-like syndrome. Nature Genet. 50: 329-332, 2018. Note: Erratum: Nature Genet 50: 767, 2018; Erratum: Nature Genet. 51: 1192, 2019. (cited by OMIM).

NM_001379291.1(BRD4):c.1289A>G (p.Tyr430Cys)

Gene: BRD4 (bromodomain containing 4; minus strand). Cytogenetic location: 19p13.12.
Variant type: single nucleotide variant.
Coding change: c.1289A>G on transcript NM_001379291.1 (MANE Select); coding-DNA position 1289, A replaced by G.
Protein change: p.Tyr430Cys; replaces tyrosine 430 with cysteine.
Molecular consequence: missense variant.
Genome position (GRCh38, 1-based): chr19:15,263,472, T>C on the plus strand (A>G on the coding strand, the complement: BRD4 is on the minus strand). VCF-style: chr19-15263472-T-C. GRCh37 (hg19) VCF-style: chr19-15374283-T-C.
Other names: c.1289A>G, p.Tyr430Cys (NM_001330384.2, NM_001379292.1, NM_014299.3 and 1 more transcripts); short protein forms Y430C.
Identifiers: ClinVar variation 2443328 (VCV002443328.6), dbSNP rs2512579975, ClinGen allele CA404483831.